The following is an entry in ClinVar:

NM_000138.5(FBN1):c.217del (p.Thr73fs)

Gene: FBN1 (fibrillin 1; minus strand). Cytogenetic location: 15q21.1.
Variant type: Deletion.
Coding change: c.217del on transcript NM_000138.5 (MANE Select); coding-DNA position 217, one base deleted (A; older notation c.217delA).
Protein change: p.Thr73fs; shifts the reading frame from threonine 73.
Molecular consequence: frameshift variant.
Genome position (GRCh38, 1-based): chr15:48,613,040, T deleted on the plus strand (A on the coding strand, the reverse complement: FBN1 is on the minus strand); the first of 4 consecutive T bases (chr15:48,613,040-48,613,043); deleting any one gives the same sequence. VCF-style (leftmost placement, unchanged base first): chr15-48613039-GT-G. GRCh37 (hg19) VCF-style: chr15-48905236-GT-G.
Other names: short protein forms T73fs.
Identifiers: ClinVar variation 1363024 (VCV001363024.8), dbSNP rs2140737430, ClinGen allele CA2573150821.
Genomic context (GRCh38, chr15:48,613,039, plus strand): 5'-ATGCAGAATGACAAGTTTTCTATTTACTTACGGACAATACACTGATTTCCGCCAGGTAAG[GT>G]TTTCCATCCAGGGCAACAGTAAGCATTATAACGTGATCCACAGACATTGGGTCTAAAACA-3'

ClinVar aggregate classification (germline): Pathogenic (1 of 4 stars; one submission).

Conditions:
Marfan syndrome (MFS). Also called: Marfan syndrome type 1; Marfan's syndrome; FBN1-Related Marfan Syndrome; MARFAN SYNDROME, TYPE I; Marfan syndrome, classic. Identifiers: Orphanet 284963, Orphanet 558, MedGen C0024796, MONDO:0007947, OMIM 154700.
Familial thoracic aortic aneurysm and aortic dissection (TAAD). Also called: Thoracic aortic aneurysms and dissections. Identifiers: Orphanet 91387, MedGen C4707243, MONDO:0019625.

Submission:

Labcorp Genetics (formerly Invitae), Labcorp
Classification: Pathogenic for Marfan syndrome; Familial thoracic aortic aneurysm and aortic dissection. Last evaluated: 2021-03-17. Review status: criteria provided, single submitter. Criteria: Invitae Variant Classification Sherloc (09022015). Collection method: clinical testing. Allele origin: germline.
Comment: For these reasons, this variant has been classified as Pathogenic. This variant has been observed in individual(s) with clinical features of FBN1-related conditions (Invitae). This variant is not present in population databases (ExAC no frequency). This sequence change creates a premature translational stop signal (p.Thr73Profs*35) in the FBN1 gene. It is expected to result in an absent or disrupted protein product. Loss-of-function variants in FBN1 are known to be pathogenic (PMID: 17657824, 19293843).

Literature cited by the submitters: PubMed 17657824; PubMed 19293843.